The following is an entry in ClinVar:

ClinVar aggregate classification (germline): Uncertain significance (1 of 4 stars; one submission).

Conditions:
Charcot-Marie-Tooth disease dominant intermediate F. Identifiers: Orphanet 352670, MedGen C4749463, MONDO:0014074, OMIM 615185.

gnomAD v4.1: 2 of 1,614,106 alleles (0.00012%); highest among the groups gnomAD compares: Non-Finnish European, 0.00017%; no homozygotes.

Submission:

Labcorp Genetics (formerly Invitae), Labcorp
Classification: Uncertain significance for Charcot-Marie-Tooth disease dominant intermediate F. Last evaluated: 2025-10-08. Review status: criteria provided, single submitter. Criteria: Invitae Variant Classification Sherloc (09022015). Collection method: clinical testing. Allele origin: germline.
Comment: This sequence change replaces aspartic acid, which is acidic and polar, with glutamic acid, which is acidic and polar, at codon 215 of the GNB4 protein (p.Asp215Glu). This variant is present in population databases (rs755596977, gnomAD no frequency). This variant has not been reported in the literature in individuals affected with GNB4-related conditions. ClinVar contains an entry for this variant (Variation ID: 937795). Invitae Evidence Modeling of protein sequence and biophysical properties (such as structural, functional, and spatial information, amino acid conservation, physicochemical variation, residue mobility, and thermodynamic stability) indicates that this missense variant is not expected to disrupt GNB4 protein function with a negative predictive value of 95%. In summary, the available evidence is currently insufficient to determine the role of this variant in disease. Therefore, it has been classified as a Variant of Uncertain Significance.

NM_021629.4(GNB4):c.645T>G (p.Asp215Glu)

Gene: GNB4 (G protein subunit beta 4; minus strand). Cytogenetic location: 3q26.33.
Variant type: single nucleotide variant.
Coding change: c.645T>G on transcript NM_021629.4 (MANE Select); coding-DNA position 645, T replaced by G.
Protein change: p.Asp215Glu; replaces aspartic acid 215 with glutamic acid.
Molecular consequence: missense variant.
Genome position (GRCh38, 1-based): chr3:179,413,466, A>C on the plus strand (T>G on the coding strand, the complement: GNB4 is on the minus strand). VCF-style: chr3-179413466-A-C. GRCh37 (hg19) VCF-style: chr3-179131254-A-C.
Other names: short protein forms D215E.
Identifiers: ClinVar variation 937795 (VCV000937795.9), dbSNP rs755596977, ClinGen allele CA2712452.
Genomic context (GRCh38, chr3:179,413,466, plus strand): 5'-ACTTACACTGACAGCATTGATATCTGAGACATGTCCCGTGAAAGACTGTCTACACATTCC[A>C]TCTCGAATATCCCATAATTTGGAAGAGGCATCACAAGCACCAGAAACAAAAGTCCTCATG-3'
Protein context (NP_067642.1, residues 205-225): DASSKLWDIR[Asp215Glu]GMCRQSFTGH